The following is an entry in ClinVar:

ClinVar aggregate classification (germline): Likely benign. Review status: criteria provided, multiple submitters, no conflicts (2 of 4 stars). 2 submissions from 2 submitters: Likely benign (2). Last evaluated 2018-06-19.

Allele frequency attached by ClinVar (database versions not stated): 1000 Genomes Project 0.01238; 1000 Genomes Project 30x 0.01359; gnomAD 0.01400 and 0.01513; TOPMed 0.01552.
gnomAD v4.1: 7,569 of 1,408,992 alleles (0.54%); highest among the groups gnomAD compares: African/African-American, 4.4%; 84 homozygotes.

Submissions (2):

GeneDx
Classification: Likely benign. Last evaluated: 2018-06-19. Review status: criteria provided, single submitter. Criteria: GeneDx Variant Classification (06012015). Collection method: clinical testing. Allele origin: germline. Affected: yes.
Comment: This variant is considered likely benign or benign based on one or more of the following criteria: it is a conservative change, it occurs at a poorly conserved position in the protein, it is predicted to be benign by multiple in silico algorithms, and/or has population frequency not consistent with disease.

Breakthrough Genomics
Classification: Likely benign. Review status: criteria provided, single submitter. Criteria: ACMG Guidelines, 2015. Collection method: not provided. Allele origin: germline. Inheritance: Autosomal recessive inheritance. Affected: yes.

NM_000334.4(SCN4A):c.3912+91G>A

Genes: SCN4A (sodium voltage-gated channel alpha subunit 4; minus strand), GH-LCR (growth hormone locus control region; plus strand). Cytogenetic location: 17q23.3.
Variant type: single nucleotide variant.
Coding change: c.3912+91G>A on transcript NM_000334.4 (MANE Select); 91 bases into the intron after coding-DNA position 3912, G replaced by A.
Molecular consequence: intron variant.
Genome position (GRCh38, 1-based): chr17:63,944,582, C>T on the plus strand (G>A on the coding strand, the complement: SCN4A is on the minus strand). VCF-style: chr17-63944582-C-T. GRCh37 (hg19) VCF-style: chr17-62021942-C-T.
Identifiers: ClinVar variation 672968 (VCV000672968.2), dbSNP rs115320521, ClinGen allele CA292959245.